The following is an entry in ClinVar:

ClinVar aggregate classification (germline): Pathogenic (1 of 4 stars; one submission).

Conditions:
Glycine encephalopathy. Also called: Nonketotic hyperglycinemia; Non-ketotic hyperglycinemia. Identifiers: Orphanet 407, MedGen C0751748, MONDO:0011612, HP:0008288.

gnomAD v4.1: 2 of 1,613,656 alleles (0.00012%); highest among the groups gnomAD compares: Admixed American, 0.0017%; no homozygotes.

Submission:

Labcorp Genetics (formerly Invitae), Labcorp
Classification: Pathogenic for Glycine encephalopathy. Last evaluated: 2025-04-16. Review status: criteria provided, single submitter. Criteria: Invitae Variant Classification Sherloc (09022015). Collection method: clinical testing. Allele origin: germline.
Comment: This sequence change replaces alanine, which is neutral and non-polar, with valine, which is neutral and non-polar, at codon 803 of the GLDC protein (p.Ala803Val). This variant is present in population databases (no rsID available, gnomAD 0.003%). This missense change has been observed in individual(s) with non-ketotic hyperglycinemia (PMID: 27362913). In at least one individual the data is consistent with being in trans (on the opposite chromosome) from a pathogenic variant. Invitae Evidence Modeling of protein sequence and biophysical properties (such as structural, functional, and spatial information, amino acid conservation, physicochemical variation, residue mobility, and thermodynamic stability) indicates that this missense variant is expected to disrupt GLDC protein function with a positive predictive value of 95%. For these reasons, this variant has been classified as Pathogenic.

Literature cited by the submitters: PubMed 27362913.

NM_000170.3(GLDC):c.2408C>T (p.Ala803Val)

Gene: GLDC (glycine decarboxylase; minus strand). Cytogenetic location: 9p24.1.
Variant type: single nucleotide variant.
Coding change: c.2408C>T on transcript NM_000170.3 (MANE Select); coding-DNA position 2408, C replaced by T.
Protein change: p.Ala803Val; replaces alanine 803 with valine.
Molecular consequence: missense variant.
Genome position (GRCh38, 1-based): chr9:6,553,417, G>A on the plus strand (C>T on the coding strand, the complement: GLDC is on the minus strand). VCF-style: chr9-6553417-G-A. GRCh37 (hg19) VCF-style: chr9-6553417-G-A.
Other names: short protein forms A803V.
Identifiers: ClinVar variation 4709667 (VCV004709667.1).